The following is an entry in ClinVar:

NM_000057.4(BLM):c.2191G>A (p.Asp731Asn)

Gene: BLM (BLM RecQ like helicase; plus strand). Cytogenetic location: 15q26.1.
Variant type: single nucleotide variant.
Coding change: c.2191G>A on transcript NM_000057.4 (MANE Select); coding-DNA position 2191, G replaced by A.
Protein change: p.Asp731Asn; replaces aspartic acid 731 with asparagine.
Molecular consequence: missense variant.
Genome position (GRCh38, 1-based): chr15:90,765,412, G>A. VCF-style: chr15-90765412-G-A. GRCh37 (hg19) VCF-style: chr15-91308642-G-A.
Other names: c.2191G>A, p.Asp731Asn (NM_001287246.2, NM_001287247.2); c.1066G>A, p.Asp356Asn (NM_001287248.2); short protein forms D356N, D731N.
Identifiers: ClinVar variation 1358610 (VCV001358610.8), dbSNP rs1459619445, ClinGen allele CA393844748.
Genomic context (GRCh38, chr15:90,765,412, plus strand): 5'-GTTGTCATTTCTCCCTTGAGATCACTTATCGTAGATCAAGTCCAAAAGCTGACTTCCTTG[G>A]ATGTAAGTTATAAAAATACTAATAAAAACACGCCTTAGAAACAATTAAATTTCAGTCCTC-3'
Protein context (NP_000048.1, residues 721-741): VDQVQKLTSL[Asp731Asn]IPATYLTGDK

ClinVar aggregate classification (germline): Uncertain significance (1 of 4 stars; one submission).

Conditions:
Bloom syndrome (BLM). Also called: Bloom-Torre-Machacek syndrome. Identifiers: Orphanet 125, MedGen C0005859, MONDO:0008876, OMIM 210900.

Submission:

Labcorp Genetics (formerly Invitae), Labcorp
Classification: Uncertain significance for Bloom syndrome. Last evaluated: 2021-06-02. Review status: criteria provided, single submitter. Criteria: Invitae Variant Classification Sherloc (09022015). Collection method: clinical testing. Allele origin: germline.
Comment: This sequence change replaces aspartic acid with asparagine at codon 731 of the BLM protein (p.Asp731Asn). The aspartic acid residue is moderately conserved and there is a small physicochemical difference between aspartic acid and asparagine. This variant is not present in population databases (ExAC no frequency). This variant has not been reported in the literature in individuals with BLM-related conditions. Algorithms developed to predict the effect of missense changes on protein structure and function are either unavailable or do not agree on the potential impact of this missense change (SIFT: "Tolerated"; PolyPhen-2: "Probably Damaging"; Align-GVGD: "Class C0"). In summary, the available evidence is currently insufficient to determine the role of this variant in disease. Therefore, it has been classified as a Variant of Uncertain Significance.